The following is an entry in ClinVar:

NM_000051.4(ATM):c.7122A>C (p.Glu2374Asp)

Genes: ATM (ATM serine/threonine kinase; plus strand), C11orf65 (chromosome 11 open reading frame 65; minus strand). Cytogenetic location: 11q22.3.
Variant type: single nucleotide variant.
Coding change: c.7122A>C on transcript NM_000051.4 (MANE Select); coding-DNA position 7122, A replaced by C.
Protein change: p.Glu2374Asp; replaces glutamic acid 2374 with aspartic acid.
Molecular consequence: missense variant. On other transcripts: intron variant (2).
Genome position (GRCh38, 1-based): chr11:108,329,053, A>C. VCF-style: chr11-108329053-A-C. GRCh37 (hg19) VCF-style: chr11-108199780-A-C.
Other names: p.E2374D:GAA>GAC; c.7122A>C, p.Glu2374Asp (NM_001351834.2); c.641-19982T>G (NM_001330368.2); c.*38+6167T>G (NM_001351110.2); short protein forms E2374D.
Identifiers: ClinVar variation 181887 (VCV000181887.61), dbSNP rs376159946, ClinGen allele CA298046.

ClinVar aggregate classification (germline): Conflicting classifications of pathogenicity. Review status: criteria provided, conflicting classifications (1 of 4 stars). 6 submissions from 6 submitters: Uncertain significance (5); Likely benign (1). Last evaluated 2025-05-01.

Conditions:
ATM-related disorder. Also called: ATM-related disorders; ATM-related condition.
Hereditary cancer-predisposing syndrome. Also called: Hereditary Cancer Syndrome; Tumor predisposition; Neoplastic Syndromes, Hereditary; Hereditary neoplastic syndrome. Identifiers: Orphanet 140162, MedGen C0027672, MeSH D009386, MONDO:0015356.
Ataxia-telangiectasia syndrome (AT). Also called: ATAXIA-TELANGIECTASIA, COMPLEMENTATION GROUP A; ATAXIA-TELANGIECTASIA, FRESNO VARIANT; Ataxia-telangiectasia; Ataxia-telangiectasia, complementation group E; Cerebello-oculocutaneous telangiectasia; Immunodeficiency with ataxia telangiectasia. Identifiers: Orphanet 100, MedGen C0004135, MONDO:0008840, OMIM 208900.

Allele frequency attached by ClinVar (database versions not stated): gnomAD exomes 0.00001; gnomAD 0.00001; ESP Exome Variant Server 0.00008; TOPMed below 0.00001.
gnomAD v4.1: 14 of 1,613,994 alleles (0.00087%); highest among the groups gnomAD compares: Non-Finnish European, 0.0011%; no homozygotes.

Submissions (6):

PreventionGenetics, part of Exact Sciences
Classification: Uncertain significance for ATM-related condition. Last evaluated: 2025-05-01. Review status: criteria provided, single submitter. Criteria: ACMG Guidelines, 2015. Collection method: clinical testing. Allele origin: germline.
Comment: The ATM c.7122A>C variant is predicted to result in the amino acid substitution p.Glu2374Asp. This variant has been identified in an individual undergoing panel testing for Lynch syndrome that also carried a pathogenic variant in the MUTYH gene (Supplemental Table 2, Yurgelun et al. 2015. PubMed ID: 25980754) and in an individual with pancreatic cancer (Yu et al. 2021. PubMed ID: 35047863). This variant has not been reported in a large population database (gnomAD), indicating this variant is rare. This variant is interpreted as uncertain in ClinVar. At this time, the clinical significance of this variant is uncertain due to the absence of conclusive functional and genetic evidence.

Ambry Genetics
Classification: Likely benign for Hereditary cancer-predisposing syndrome. Last evaluated: 2025-03-24. Review status: criteria provided, single submitter. Criteria: Ambry Variant Classification Scheme 2023. Collection method: clinical testing. Allele origin: germline.

Labcorp Genetics (formerly Invitae), Labcorp
Classification: Uncertain significance for Ataxia-telangiectasia syndrome. Last evaluated: 2025-01-22. Review status: criteria provided, single submitter. Criteria: Invitae Variant Classification Sherloc (09022015). Collection method: clinical testing. Allele origin: germline.
Comment: This sequence change replaces glutamic acid, which is acidic and polar, with aspartic acid, which is acidic and polar, at codon 2374 of the ATM protein (p.Glu2374Asp). This variant is not present in population databases (gnomAD no frequency). This missense change has been observed in individual(s) with Lynch syndrome or pancreatic cancer (PMID: 25980754, 35047863). ClinVar contains an entry for this variant (Variation ID: 181887). Invitae Evidence Modeling of protein sequence and biophysical properties (such as structural, functional, and spatial information, amino acid conservation, physicochemical variation, residue mobility, and thermodynamic stability) indicates that this missense variant is not expected to disrupt ATM protein function with a negative predictive value of 95%. In summary, the available evidence is currently insufficient to determine the role of this variant in disease. Therefore, it has been classified as a Variant of Uncertain Significance.

Color Diagnostics, LLC DBA Color Health
Classification: Uncertain significance for Hereditary cancer-predisposing syndrome. Last evaluated: 2024-08-19. Review status: criteria provided, single submitter. Criteria: ACMG Guidelines, 2015. Collection method: clinical testing. Allele origin: germline.
Comment: This missense variant replaces glutamic acid with aspartic acid at codon 2374 of the ATM protein. Computational prediction suggests that this variant may not impact protein structure and function. To our knowledge, functional studies have not been reported for this variant. This variant has been reported in an individual affected with Lynch syndrome-associated cancer and/or polyps (PMID: 25980754). This variant has not been identified in the general population by the Genome Aggregation Database (gnomAD). The available evidence is insufficient to determine the role of this variant in disease conclusively. Therefore, this variant is classified as a Variant of Uncertain Significance.

GeneDx
Classification: Uncertain significance. Last evaluated: 2022-07-12. Review status: criteria provided, single submitter. Criteria: GeneDx Variant Classification Process June 2021. Collection method: clinical testing. Allele origin: germline. Affected: yes.
Comment: Not observed at significant frequency in large population cohorts (gnomAD); In silico analysis supports that this missense variant does not alter protein structure/function; This variant is associated with the following publications: (PMID: 25980754, 28779002, 27978560, 28652578, 23532176)

Women's Health and Genetics/Laboratory Corporation of America, LabCorp
Classification: Uncertain significance. Last evaluated: 2022-03-29. Review status: criteria provided, single submitter. Criteria: LabCorp Variant Classification Summary - May 2015. Collection method: clinical testing. Allele origin: germline.
Comment: Variant summary: ATM c.7122A>C (p.Glu2374Asp) results in a conservative amino acid change located in the PIK-related kinase domain (IPR014009) of the encoded protein sequence. Five of five in-silico tools predict a benign effect of the variant on protein function. The variant was absent in 251430 control chromosomes. The available data on variant occurrences in the general population are insufficient to allow any conclusion about variant significance. c.7122A>C has been reported in the literature as a VUS in settings of multigene panel testing in individuals undergoing testing for Lynch syndrome (example, Yurgelun_2015). These report(s) do not provide unequivocal conclusions about association of the variant with Breast Cancer. To our knowledge, no experimental evidence demonstrating an impact on protein function has been reported. Four clinical diagnostic laboratories have submitted clinical-significance assessments for this variant to ClinVar after 2014 without evidence for independent evaluation. All laboratories classified the variant as uncertain significance. Based on the evidence outlined above, the variant was classified as uncertain significance.

Literature cited by the submitters: PubMed 25980754 (cited by 4 submitters); PubMed 27978560 (cited by Ambry Genetics); PubMed 28779002 (cited by Ambry Genetics); PubMed 35047863 (cited by Labcorp Genetics (formerly Invitae), Labcorp).